The following is an entry in ClinVar:

NM_001379200.1(TBX1):c.997C>G (p.Pro333Ala)

Gene: TBX1 (T-box transcription factor 1; plus strand). Cytogenetic location: 22q11.21.
Variant type: single nucleotide variant.
Coding change: c.997C>G on transcript NM_001379200.1 (MANE Select); coding-DNA position 997, C replaced by G.
Protein change: p.Pro333Ala; replaces proline 333 with alanine.
Molecular consequence: missense variant.
Genome position (GRCh38, 1-based): chr22:19,765,963, C>G. VCF-style: chr22-19765963-C-G. GRCh37 (hg19) VCF-style: chr22-19753486-C-G.
Other names: c.970C>G, p.Pro324Ala (NM_005992.1, NM_080646.2, NM_080647.1); short protein forms P333A, P324A.
Identifiers: ClinVar variation 3694019 (VCV003694019.2).
Genomic context (GRCh38, chr22:19,765,963, plus strand): 5'-CCCCGGAACCACCGGCCCGGCGCACTGCCGCTCATGAGCGCCTTCGCGCGCTCGCGGAAC[C>G]CCGTGGCTTCCCCGACGCAGCCCAGCGGCACGGAGAAAGGTAGGGCCGGGGTCGTGGGAT-3'
Protein context (NP_001366129.1, residues 323-343): LMSAFARSRN[Pro333Ala]VASPTQPSGT

ClinVar aggregate classification (germline): Uncertain significance (1 of 4 stars; one submission).

Conditions:
DiGeorge syndrome. Also called: THIRD AND FOURTH PHARYNGEAL POUCH SYNDROME; Catch22. Identifiers: Orphanet 567, MedGen C0012236, MONDO:0008564, OMIM 188400.

Submission:

Labcorp Genetics (formerly Invitae), Labcorp
Classification: Uncertain significance for DiGeorge syndrome. Last evaluated: 2024-12-04. Review status: criteria provided, single submitter. Criteria: Invitae Variant Classification Sherloc (09022015). Collection method: clinical testing. Allele origin: germline.
Comment: This sequence change replaces proline, which is neutral and non-polar, with alanine, which is neutral and non-polar, at codon 324 of the TBX1 protein (p.Pro324Ala). This variant is not present in population databases (gnomAD no frequency). This variant has not been reported in the literature in individuals affected with TBX1-related conditions. Invitae Evidence Modeling of protein sequence and biophysical properties (such as structural, functional, and spatial information, amino acid conservation, physicochemical variation, residue mobility, and thermodynamic stability) indicates that this missense variant is not expected to disrupt TBX1 protein function with a negative predictive value of 80%. In summary, the available evidence is currently insufficient to determine the role of this variant in disease. Therefore, it has been classified as a Variant of Uncertain Significance.